The following is an entry in ClinVar:

ClinVar aggregate classification (germline): Uncertain significance. Review status: criteria provided, multiple submitters, no conflicts (2 of 4 stars). 2 submissions from 2 submitters: Uncertain significance (2). Last evaluated 2025-11-24.

Conditions:
Gastrointestinal stromal tumor. Also called: Gastrointestinal stromal tumor, somatic; Gastrointestinal stroma tumor. Identifiers: Orphanet 44890, MedGen C0238198, MeSH D046152, MONDO:0011719, OMIM 606764, HP:0100723.
Hereditary cancer-predisposing syndrome. Also called: Neoplastic Syndromes, Hereditary; Tumor predisposition; Hereditary Cancer Syndrome; Hereditary neoplastic syndrome. Identifiers: Orphanet 140162, MedGen C0027672, MeSH D009386, MONDO:0015356.

Allele frequency attached by ClinVar (database versions not stated): gnomAD exomes below 0.00001; TOPMed below 0.00001; gnomAD 0.00001.
gnomAD v4.1: 5 of 1,497,372 alleles (0.00033%); highest among the groups gnomAD compares: Non-Finnish European, 0.00047%; no homozygotes.

Submissions (2):

Labcorp Genetics (formerly Invitae), Labcorp
Classification: Uncertain significance for Gastrointestinal stromal tumor. Last evaluated: 2025-11-24. Review status: criteria provided, single submitter. Criteria: Invitae Variant Classification Sherloc (09022015). Collection method: clinical testing. Allele origin: germline.
Comment: This sequence change replaces glycine, which is neutral and non-polar, with alanine, which is neutral and non-polar, at codon 311 of the KIT protein (p.Gly311Ala). This variant is present in population databases (no rsID available, gnomAD 0.01%). This variant has not been reported in the literature in individuals affected with KIT-related conditions. ClinVar contains an entry for this variant (Variation ID: 652900). An algorithm developed to predict the effect of missense changes on protein structure and function (PolyPhen-2) suggests that this variant is likely to be disruptive. In summary, the available evidence is currently insufficient to determine the role of this variant in disease. Therefore, it has been classified as a Variant of Uncertain Significance.

Ambry Genetics
Classification: Uncertain significance for Hereditary cancer-predisposing syndrome. Last evaluated: 2023-12-21. Review status: criteria provided, single submitter. Criteria: Ambry Variant Classification Scheme 2023. Collection method: clinical testing. Allele origin: germline.
Comment: The p.G311A variant (also known as c.932G>C), located in coding exon 6 of the KIT gene, results from a G to C substitution at nucleotide position 932. The glycine at codon 311 is replaced by alanine, an amino acid with similar properties. This amino acid position is conserved. In addition, the in silico prediction for this alteration is inconclusive. Since supporting evidence is limited at this time, the clinical significance of this alteration remains unclear.

NM_000222.3(KIT):c.932G>C (p.Gly311Ala)

Gene: KIT (KIT proto-oncogene, receptor tyrosine kinase; plus strand). Cytogenetic location: 4q12.
Variant type: single nucleotide variant.
Coding change: c.932G>C on transcript NM_000222.3 (MANE Select); coding-DNA position 932, G replaced by C.
Protein change: p.Gly311Ala; replaces glycine 311 with alanine.
Molecular consequence: missense variant.
Genome position (GRCh38, 1-based): chr4:54,707,104, G>C. VCF-style: chr4-54707104-G-C. GRCh37 (hg19) VCF-style: chr4-55573270-G-C.
Other names: c.932G>C, p.Gly311Ala (NM_001093772.2, NM_001385285.1, NM_001385286.1); c.935G>C, p.Gly312Ala (NM_001385284.1, NM_001385288.1, NM_001385290.1 and 1 more transcripts); short protein forms G311A, G312A.
Identifiers: ClinVar variation 652900 (VCV000652900.13), dbSNP rs1255809965, ClinGen allele CA356900648.